The following is an entry in ClinVar:

ClinVar aggregate classification (germline): Uncertain significance. Review status: criteria provided, multiple submitters, no conflicts (2 of 4 stars). 2 submissions from 2 submitters: Uncertain significance (2). Last evaluated 2025-04-09.

Conditions:
Inborn genetic diseases. Identifiers: MedGen C0950123, MeSH D030342.
Cardiovascular phenotype. Identifiers: MedGen CN230736.

Allele frequency attached by ClinVar (database versions not stated): gnomAD 0.00004; gnomAD exomes 0.00004; TOPMed 0.00004; ExAC 0.00018.
gnomAD v4.1: 63 of 1,491,468 alleles (0.0042%); highest among the groups gnomAD compares: Middle Eastern, 0.32%; no homozygotes.

Submissions (2):

Molecular Diagnostic Laboratory for Inherited Cardiovascular Disease, Montreal Heart Institute
Classification: Uncertain significance for Cardiovascular phenotype. Last evaluated: 2025-04-09. Review status: criteria provided, single submitter. Criteria: ACMG Guidelines, 2015. Collection method: clinical testing. Allele origin: germline. Affected: yes.
Comment: BP4

Ambry Genetics
Classification: Uncertain significance for Inborn genetic diseases. Last evaluated: 2023-09-21. Review status: criteria provided, single submitter. Criteria: Ambry Variant Classification Scheme 2023. Collection method: clinical testing. Allele origin: germline.

NM_006663.4(PPP1R13L):c.1246C>A (p.Pro416Thr)

Gene: PPP1R13L (protein phosphatase 1 regulatory subunit 13 like; minus strand). Cytogenetic location: 19q13.32.
Variant type: single nucleotide variant.
Coding change: c.1246C>A on transcript NM_006663.4 (MANE Select); coding-DNA position 1246, C replaced by A.
Protein change: p.Pro416Thr; replaces proline 416 with threonine.
Molecular consequence: missense variant.
Genome position (GRCh38, 1-based): chr19:45,395,544, G>T on the plus strand (C>A on the coding strand, the complement: PPP1R13L is on the minus strand). VCF-style: chr19-45395544-G-T. GRCh37 (hg19) VCF-style: chr19-45898802-G-T.
Other names: c.1246C>A, p.Pro416Thr (NM_001142502.2); short protein forms P416T.
Identifiers: ClinVar variation 3217460 (VCV003217460.2), dbSNP rs756431805, ClinGen allele CA9514417.